The following is an entry in ClinVar:

NM_001875.5(CPS1):c.2066G>A (p.Arg689His)

Gene: CPS1 (carbamoyl-phosphate synthase 1; plus strand). Cytogenetic location: 2q34.
Variant type: single nucleotide variant.
Coding change: c.2066G>A on transcript NM_001875.5 (MANE Select); coding-DNA position 2066, G replaced by A.
Protein change: p.Arg689His; replaces arginine 689 with histidine.
Molecular consequence: missense variant. On other transcripts: non-coding transcript variant (2).
Genome position (GRCh38, 1-based): chr2:210,606,815, G>A. VCF-style: chr2-210606815-G-A. GRCh37 (hg19) VCF-style: chr2-211471539-G-A.
Other names: c.2066G>A, p.Arg689His (NM_001122633.3, NM_001369257.1); c.2099G>A, p.Arg700His (NM_001369256.1); short protein forms R689H, R700H.
Identifiers: ClinVar variation 967514 (VCV000967514.8), dbSNP rs201256385, ClinGen allele CA2086548.

ClinVar aggregate classification (germline): Uncertain significance. Review status: criteria provided, multiple submitters, no conflicts (2 of 4 stars). 3 submissions from 3 submitters: Uncertain significance (2). 1 of the submissions does not count toward it. Last evaluated 2024-05-10.

Conditions:
Inborn genetic diseases. Identifiers: MedGen C0950123, MeSH D030342.
Congenital hyperammonemia, type I. Also called: Carbamoyl-phosphate synthase I deficiency; CPS I DEFICIENCY; Carbamoyl phosphate synthetase 1 deficiency; Hyperammonemia due to carbamoyl phosphate synthetase 1 deficiency; CPS 1 deficiency; Carbamyl phosphate synthetase (CPS) deficiency. Identifiers: Orphanet 147, MedGen C4082171, MONDO:0009376, OMIM 237300.

Allele frequency attached by ClinVar (database versions not stated): ExAC 0.00002; gnomAD exomes 0.00002 and 0.00006; gnomAD 0.00005; TOPMed 0.00005; 1000 Genomes Project 30x 0.00016; 1000 Genomes Project 0.00020.
gnomAD v4.1: 37 of 1,612,566 alleles (0.0023%); highest among the groups gnomAD compares: Admixed American, 0.022%; no homozygotes.

Submissions (3):

Ambry Genetics
Classification: Uncertain significance for Inborn genetic diseases. Last evaluated: 2024-05-10. Review status: criteria provided, single submitter. Criteria: Ambry Variant Classification Scheme 2023. Collection method: clinical testing. Allele origin: germline.

Labcorp Genetics (formerly Invitae), Labcorp
Classification: Uncertain significance for Congenital hyperammonemia, type I. Last evaluated: 2022-08-09. Review status: criteria provided, single submitter. Criteria: Invitae Variant Classification Sherloc (09022015). Collection method: clinical testing. Allele origin: germline.
Comment: This sequence change replaces arginine, which is basic and polar, with histidine, which is basic and polar, at codon 689 of the CPS1 protein (p.Arg689His). This variant is present in population databases (rs201256385, gnomAD 0.02%). This variant has not been reported in the literature in individuals affected with CPS1-related conditions. ClinVar contains an entry for this variant (Variation ID: 967514). Algorithms developed to predict the effect of missense changes on protein structure and function are either unavailable or do not agree on the potential impact of this missense change (SIFT: "Deleterious"; PolyPhen-2: "Probably Damaging"; Align-GVGD: "Class C0"). In summary, the available evidence is currently insufficient to determine the role of this variant in disease. Therefore, it has been classified as a Variant of Uncertain Significance.

Natera, Inc.
Classification: Uncertain significance for Carbamoyl-phosphate synthase I deficiency. Last evaluated: 2020-01-17. Review status: no assertion criteria provided. Collection method: clinical testing. Allele origin: germline. Not counted in ClinVar's aggregate classification.